The following is an entry in ClinVar:

NM_015978.3(TNNI3K):c.1422T>G (p.Phe474Leu)

Genes: FPGT-TNNI3K (FPGT-TNNI3K readthrough; plus strand), TNNI3K (TNNI3 interacting kinase; plus strand). Cytogenetic location: 1p31.1.
Variant type: single nucleotide variant.
Coding change: c.1422T>G on transcript NM_015978.3 (MANE Select); coding-DNA position 1422, T replaced by G.
Protein change: p.Phe474Leu; replaces phenylalanine 474 with leucine.
Molecular consequence: missense variant.
Genome position (GRCh38, 1-based): chr1:74,369,214, T>G. VCF-style: chr1-74369214-T-G. GRCh37 (hg19) VCF-style: chr1-74834898-T-G.
Other names: c.1725T>G, p.Phe575Leu (NM_001112808.3, NM_001199327.2); short protein forms F474L, F575L.
Identifiers: ClinVar variation 3613481 (VCV003613481.2).

ClinVar aggregate classification (germline): Uncertain significance (1 of 4 stars; one submission).

gnomAD v4.1: 2 of 1,610,210 alleles (0.00012%); no homozygotes.

Submission:

Labcorp Genetics (formerly Invitae), Labcorp
Classification: Uncertain significance. Last evaluated: 2026-01-09. Review status: criteria provided, single submitter. Criteria: Invitae Variant Classification Sherloc (09022015). Collection method: clinical testing. Allele origin: germline.
Comment: This sequence change replaces phenylalanine, which is neutral and non-polar, with leucine, which is neutral and non-polar, at codon 474 of the TNNI3K protein (p.Phe474Leu). This variant is not present in population databases (gnomAD no frequency). This variant has not been reported in the literature in individuals affected with TNNI3K-related conditions. ClinVar contains an entry for this variant (Variation ID: 3613481). Invitae Evidence Modeling of protein sequence and biophysical properties (such as structural, functional, and spatial information, amino acid conservation, physicochemical variation, residue mobility, and thermodynamic stability) has been performed for this missense variant. However, the output from this modeling did not meet the statistical confidence thresholds required to predict the impact of this variant on TNNI3K protein function. In summary, the available evidence is currently insufficient to determine the role of this variant in disease. Therefore, it has been classified as a Variant of Uncertain Significance.